The following is an entry in ClinVar:

ClinVar aggregate classification (germline): Pathogenic. Review status: criteria provided, multiple submitters, no conflicts (2 of 4 stars). 3 submissions from 3 submitters: Pathogenic (3). Last evaluated 2025-12-20.

Conditions:
Familial hemophagocytic lymphohistiocytosis 3 (FHL3). Also called: UNC13D-Related Familial Hemophagocytic Lymphohistiocytosis (UNC13D-fHLH). Identifiers: Orphanet 540, MedGen C1837174, MONDO:0012146, OMIM 608898.

Allele frequency attached by ClinVar (database versions not stated): ExAC 0.00001; gnomAD 0.00001; TOPMed 0.00001; 1000 Genomes Project 30x 0.00031; gnomAD exomes below 0.00001.

Submissions (3):

Labcorp Genetics (formerly Invitae), Labcorp
Classification: Pathogenic for Familial hemophagocytic lymphohistiocytosis 3. Last evaluated: 2025-12-20. Review status: criteria provided, single submitter. Criteria: Invitae Variant Classification Sherloc (09022015). Collection method: clinical testing. Allele origin: germline.
Comment: This sequence change creates a premature translational stop signal (p.Val210Trpfs*39) in the UNC13D gene. It is expected to result in an absent or disrupted protein product. Loss-of-function variants in UNC13D are known to be pathogenic (PMID: 14622600). This variant is present in population databases (rs755619812, gnomAD 0.0009%). This premature translational stop signal has been observed in individuals with familial hemophagocytic lymphohistiocytosis (PMID: 16278825, 32245292, 32888943). ClinVar contains an entry for this variant (Variation ID: 2138108). For these reasons, this variant has been classified as Pathogenic.

Victorian Clinical Genetics Services, Murdoch Childrens Research Institute
Classification: Pathogenic for Familial hemophagocytic lymphohistiocytosis 3. Last evaluated: 2025-09-09. Review status: criteria provided, single submitter. Criteria: ACMG Guidelines, 2015. Collection method: clinical testing. Allele origin: germline. Affected: no.
Comment: This variant is classified as Pathogenic. Evidence in support of pathogenic classification: Variant is predicted to cause nonsense-mediated decay (NMD) and loss of protein (premature termination codon is located at least 54 nucleotides upstream of the final exon-exon junction); Variant is present in gnomAD (v4) <0.01 for a recessive condition (7 heterozygotes, 0 homozygotes); This variant has strong previous evidence of pathogenicity in unrelated individuals. This variant has been reported in multiple individuals with hemophagocytic lymphohistiocytosis (PMIDs: 23774160, 21248318, 16278825) and classified as pathogenic in ClinVar; Other NMD-predicted variants comparable to the one identified in this case have very strong previous evidence for pathogenicity (ClinVar). Additional information: This variant is heterozygous; This gene is associated with autosomal recessive disease; Loss of function is a known mechanism of disease in this gene and is associated with familial hemophagocytic lymphohistiocytosis 3 (MIM#608898).

Fulgent Genetics
Classification: Pathogenic for Familial hemophagocytic lymphohistiocytosis 3. Last evaluated: 2024-05-26. Review status: criteria provided, single submitter. Criteria: ACMG Guidelines, 2015. Collection method: clinical testing. Allele origin: germline.

Literature cited by the submitters: PubMed 14622600 (cited by Labcorp Genetics (formerly Invitae), Labcorp); PubMed 16278825 (cited by Labcorp Genetics (formerly Invitae), Labcorp and Victorian Clinical Genetics Services, Murdoch Childrens Research Institute); PubMed 32245292 (cited by Labcorp Genetics (formerly Invitae), Labcorp); PubMed 32888943 (cited by Labcorp Genetics (formerly Invitae), Labcorp); PubMed 21248318 (cited by Victorian Clinical Genetics Services, Murdoch Childrens Research Institute); PubMed 23774160 (cited by Victorian Clinical Genetics Services, Murdoch Childrens Research Institute).

NM_199242.3(UNC13D):c.627del (p.Val210fs)

Gene: UNC13D (unc-13 homolog D; minus strand). Cytogenetic location: 17q25.1.
Variant type: Deletion.
Coding change: c.627del on transcript NM_199242.3 (MANE Select); coding-DNA position 627, one base deleted (T; older notation c.627delT).
Protein change: p.Val210fs; shifts the reading frame from valine 210.
Molecular consequence: frameshift variant.
Genome position (GRCh38, 1-based): chr17:75,840,818, A deleted on the plus strand (T on the coding strand, the reverse complement: UNC13D is on the minus strand). VCF-style (leftmost placement, unchanged base first): chr17-75840817-CA-C. GRCh37 (hg19) VCF-style: chr17-73836898-CA-C.
Other names: short protein forms V210fs.
Identifiers: ClinVar variation 2138108 (VCV002138108.8), dbSNP rs755619812, ClinGen allele CA8773372.
Genomic context (GRCh38, chr17:75,840,817, plus strand): 5'-CGAACCTGCGAAGCCCATGCAGATCCGTGAGCTCCCCAAGCTTCTGTCGGACAGACTCCA[CA>C]GTGTCCAGGTCCCTGGCAGGACAGAGGTTTGAGAAGGAAGCAGAGAGAGTGCCTACGACC-3'